The following is an entry in ClinVar:

NM_012193.4(FZD4):c.456C>G (p.Asn152Lys)

Genes: FZD4 (frizzled class receptor 4; minus strand), PRSS23 (serine protease 23; plus strand). Cytogenetic location: 11q14.2.
Variant type: single nucleotide variant.
Coding change: c.456C>G on transcript NM_012193.4 (MANE Select); coding-DNA position 456, C replaced by G.
Protein change: p.Asn152Lys; replaces asparagine 152 with lysine.
Molecular consequence: missense variant. On other transcripts: non-coding transcript variant (2).
Genome position (GRCh38, 1-based): chr11:86,952,300, G>C on the plus strand (C>G on the coding strand, the complement: FZD4 is on the minus strand). VCF-style: chr11-86952300-G-C. GRCh37 (hg19) VCF-style: chr11-86663342-G-C.
Other names: short protein forms N152K.
Identifiers: ClinVar variation 2137213 (VCV002137213.4), dbSNP rs2495868823, ClinGen allele CA382016273.

ClinVar aggregate classification (germline): Uncertain significance (1 of 4 stars; one submission).

Submission:

Labcorp Genetics (formerly Invitae), Labcorp
Classification: Uncertain significance. Last evaluated: 2022-10-04. Review status: criteria provided, single submitter. Criteria: Invitae Variant Classification Sherloc (09022015). Collection method: clinical testing. Allele origin: germline.
Comment: In summary, the available evidence is currently insufficient to determine the role of this variant in disease. Therefore, it has been classified as a Variant of Uncertain Significance. Advanced modeling of protein sequence and biophysical properties (such as structural, functional, and spatial information, amino acid conservation, physicochemical variation, residue mobility, and thermodynamic stability) performed at Invitae indicates that this missense variant is not expected to disrupt FZD4 protein function. This missense change has been observed in individual(s) with exudative vitreoretinopathy (PMID: 26244290). This variant is not present in population databases (gnomAD no frequency). This sequence change replaces asparagine, which is neutral and polar, with lysine, which is basic and polar, at codon 152 of the FZD4 protein (p.Asn152Lys).

Literature cited by the submitters: PubMed 26244290.